The following is an entry in ClinVar:

NM_006393.3(NEBL):c.2281C>G (p.Pro761Ala)

Gene: NEBL (nebulette; minus strand). Cytogenetic location: 10p12.31.
Variant type: single nucleotide variant.
Coding change: c.2281C>G on transcript NM_006393.3 (MANE Select); coding-DNA position 2281, C replaced by G.
Protein change: p.Pro761Ala; replaces proline 761 with alanine.
Molecular consequence: missense variant. On other transcripts: intron variant (9).
Genome position (GRCh38, 1-based): chr10:20,814,004, G>C on the plus strand (C>G on the coding strand, the complement: NEBL is on the minus strand). VCF-style: chr10-20814004-G-C. GRCh37 (hg19) VCF-style: chr10-21102933-G-C.
Other names: c.250-1064C>G (NM_001377326.1, NM_001377327.1, NM_001377328.1); c.358-1064C>G (NM_213569.2, NM_001173484.2, NM_001377322.1); c.301-1064C>G (NM_001377324.1); c.292-1064C>G (NM_001377325.1); c.310-1064C>G (NM_001377323.1); short protein forms P761A.
Identifiers: ClinVar variation 2256429 (VCV002256429.4), dbSNP rs1157921869, ClinGen allele CA376093705.

ClinVar aggregate classification (germline): Uncertain significance. Review status: criteria provided, multiple submitters, no conflicts (2 of 4 stars). 2 submissions from 2 submitters: Uncertain significance (2). Last evaluated 2024-12-04.

Conditions:
Primary dilated cardiomyopathy (DCM). Also called: Dilated Cardiomyopathy. Identifiers: Orphanet 217604, MedGen C0007193, MeSH D002311, MONDO:0005021, HP:0001644. Inheritance: Various modes of inheritance.

Allele frequency attached by ClinVar (database versions not stated): TOPMed 0.00002.
gnomAD v4.1: 3 of 1,610,774 alleles (0.00019%); highest among the groups gnomAD compares: Admixed American, 0.0033%; no homozygotes.

Submissions (2):

Labcorp Genetics (formerly Invitae), Labcorp
Classification: Uncertain significance for Primary dilated cardiomyopathy. Last evaluated: 2024-12-04. Review status: criteria provided, single submitter. Criteria: Invitae Variant Classification Sherloc (09022015). Collection method: clinical testing. Allele origin: germline.
Comment: This sequence change replaces proline, which is neutral and non-polar, with alanine, which is neutral and non-polar, at codon 761 of the NEBL protein (p.Pro761Ala). This variant is present in population databases (no rsID available, gnomAD 0.006%). This variant has not been reported in the literature in individuals affected with NEBL-related conditions. ClinVar contains an entry for this variant (Variation ID: 2256429). An algorithm developed to predict the effect of missense changes on protein structure and function (PolyPhen-2) suggests that this variant is likely to be tolerated. In summary, the available evidence is currently insufficient to determine the role of this variant in disease. Therefore, it has been classified as a Variant of Uncertain Significance.

Ambry Genetics
Classification: Uncertain significance. Last evaluated: 2021-10-22. Review status: criteria provided, single submitter. Criteria: Ambry Variant Classification Scheme 2023. Collection method: clinical testing. Allele origin: germline.